The following is an entry in ClinVar:

ClinVar aggregate classification (germline): Uncertain significance. Review status: criteria provided, multiple submitters, no conflicts (2 of 4 stars). 2 submissions from 2 submitters: Uncertain significance (2). Last evaluated 2024-05-31.

Conditions:
Familial steroid-resistant nephrotic syndrome with sensorineural deafness. Identifiers: Orphanet 280406, MedGen C3553349, MONDO:0013836, OMIM 614650.

Allele frequency attached by ClinVar (database versions not stated): ESP Exome Variant Server 0.00008; 1000 Genomes Project 30x 0.00016; 1000 Genomes Project 0.00020.
gnomAD v4.1: 39 of 1,614,152 alleles (0.0024%); highest among the groups gnomAD compares: Admixed American, 0.015%; no homozygotes.

Submissions (2):

Fulgent Genetics
Classification: Uncertain significance for Familial steroid-resistant nephrotic syndrome with sensorineural deafness. Last evaluated: 2024-05-31. Review status: criteria provided, single submitter. Criteria: ACMG Guidelines, 2015. Collection method: clinical testing. Allele origin: germline.

GeneDx
Classification: Uncertain significance. Last evaluated: 2022-09-01. Review status: criteria provided, single submitter. Criteria: GeneDx Variant Classification Process June 2021. Collection method: clinical testing. Allele origin: germline. Affected: yes.
Comment: Not observed at significant frequency in large population cohorts (gnomAD); In silico analysis supports that this missense variant has a deleterious effect on protein structure/function; Has not been previously published as pathogenic or benign to our knowledge

NM_182476.3(COQ6):c.427G>A (p.Val143Met)

Genes: COQ6 (coenzyme Q6, monooxygenase; plus strand), ENTPD5 (ectonucleoside triphosphate diphosphohydrolase 5; minus strand). Cytogenetic location: 14q24.3.
Variant type: single nucleotide variant.
Coding change: c.427G>A on transcript NM_182476.3 (MANE Select); coding-DNA position 427, G replaced by A.
Protein change: p.Val143Met; replaces valine 143 with methionine.
Molecular consequence: missense variant. On other transcripts: synonymous variant (2), intron variant (3).
Genome position (GRCh38, 1-based): chr14:73,955,874, G>A. VCF-style: chr14-73955874-G-A. GRCh37 (hg19) VCF-style: chr14-74422577-G-A.
Other names: c.427G>A, p.Val143Met (NM_001425255.1, NM_001425256.1); c.262G>A, p.Val88Met (NM_001425257.1); c.352G>A, p.Val118Met (NM_001425258.1, NM_182480.3); c.202G>A, p.Val68Met (NM_001425259.1, NM_001425260.1, NM_001425261.1); c.100G>A, p.Val34Met (NM_001425263.1); c.18G>A, p.Ser6= (NM_001425264.1, NM_001425265.1); c.357+365G>A (NM_001425262.1); c.1201-287C>T (NM_001382258.1); and 1 more; short protein forms V118M, V143M.
Identifiers: ClinVar variation 2442539 (VCV002442539.2), dbSNP rs144520464, ClinGen allele CA7264169.